The following is an entry in ClinVar:

NM_016306.6(DNAJB11):c.1004C>T (p.Ala335Val)

Gene: DNAJB11 (DnaJ heat shock protein family (Hsp40) member B11; plus strand). Cytogenetic location: 3q27.3.
Variant type: single nucleotide variant.
Coding change: c.1004C>T on transcript NM_016306.6 (MANE Select); coding-DNA position 1004, C replaced by T.
Protein change: p.Ala335Val; replaces alanine 335 with valine.
Molecular consequence: missense variant. On other transcripts: non-coding transcript variant (6).
Genome position (GRCh38, 1-based): chr3:186,584,581, C>T. VCF-style: chr3-186584581-C-T. GRCh37 (hg19) VCF-style: chr3-186302370-C-T.
Other names: c.728C>T, p.Ala243Val (NM_001378451.1); short protein forms A243V, A335V.
Identifiers: ClinVar variation 4697539 (VCV004697539.1).
Genomic context (GRCh38, chr3:186,584,581, plus strand): 5'-AGGGCTCTTTGATAATCACTTTTGATGTGGATTTTCCAAAAGAACAGTTAACAGAGGAAG[C>T]GAGAGAAGGTATGGCATATTAGTGTGTGTGTGTGTGTGTGTTTGTGTGTGTGTATGTGTG-3'
Protein context (NP_057390.1, residues 325-345): DFPKEQLTEE[Ala335Val]REGIKQLLKQ

ClinVar aggregate classification (germline): Uncertain significance (1 of 4 stars; one submission).

gnomAD v4.1: 12 of 1,394,930 alleles (0.00086%); highest among the groups gnomAD compares: African/African-American, 0.0067%; no homozygotes.

Submission:

Labcorp Genetics (formerly Invitae), Labcorp
Classification: Uncertain significance. Last evaluated: 2025-10-06. Review status: criteria provided, single submitter. Criteria: Invitae Variant Classification Sherloc (09022015). Collection method: clinical testing. Allele origin: germline.
Comment: This sequence change replaces alanine, which is neutral and non-polar, with valine, which is neutral and non-polar, at codon 335 of the DNAJB11 protein (p.Ala335Val). This variant is not present in population databases (gnomAD no frequency). This variant has not been reported in the literature in individuals affected with DNAJB11-related conditions. Invitae Evidence Modeling of protein sequence and biophysical properties (such as structural, functional, and spatial information, amino acid conservation, physicochemical variation, residue mobility, and thermodynamic stability) indicates that this missense variant is not expected to disrupt DNAJB11 protein function with a negative predictive value of 80%. In summary, the available evidence is currently insufficient to determine the role of this variant in disease. Therefore, it has been classified as a Variant of Uncertain Significance.